The following is an entry in ClinVar:

ClinVar aggregate classification (germline): Uncertain significance. Review status: criteria provided, multiple submitters, no conflicts (2 of 4 stars). 2 submissions from 2 submitters: Uncertain significance (2). Last evaluated 2022-05-13.

Conditions:
Inborn genetic diseases. Identifiers: MedGen C0950123, MeSH D030342.
Fanconi anemia complementation group E (FANCE). Also called: FANCE-Related Fanconi Anemia. Identifiers: Orphanet 84, MedGen C3160739, MONDO:0010953, OMIM 600901.

Allele frequency attached by ClinVar (database versions not stated): gnomAD exomes below 0.00001.
gnomAD v4.1: 3 of 1,239,582 alleles (0.00024%); highest among the groups gnomAD compares: Non-Finnish European, 0.0003%; no homozygotes.

Submissions (2):

Ambry Genetics
Classification: Uncertain significance for Inborn genetic diseases. Last evaluated: 2022-05-13. Review status: criteria provided, single submitter. Criteria: Ambry Variant Classification Scheme 2023. Collection method: clinical testing. Allele origin: germline.

Labcorp Genetics (formerly Invitae), Labcorp
Classification: Uncertain significance for Fanconi anemia complementation group E. Last evaluated: 2021-09-01. Review status: criteria provided, single submitter. Criteria: Invitae Variant Classification Sherloc (09022015). Collection method: clinical testing. Allele origin: germline.
Comment: This sequence change replaces leucine with proline at codon 50 of the FANCE protein (p.Leu50Pro). The leucine residue is moderately conserved and there is a moderate physicochemical difference between leucine and proline. The frequency data for this variant in the population databases is considered unreliable, as metrics indicate insufficient coverage at this position in the ExAC database. This variant has not been reported in the literature in individuals affected with FANCE-related conditions. Algorithms developed to predict the effect of missense changes on protein structure and function are either unavailable or do not agree on the potential impact of this missense change (SIFT: "Deleterious"; PolyPhen-2: "Probably Damaging"; Align-GVGD: "Class C0"). In summary, the available evidence is currently insufficient to determine the role of this variant in disease. Therefore, it has been classified as a Variant of Uncertain Significance.

NM_021922.3(FANCE):c.149T>C (p.Leu50Pro)

Genes: FANCE (FA complementation group E; plus strand), LOC129996245 (ATAC-STARR-seq lymphoblastoid silent region 17092; plus strand). Cytogenetic location: 6p21.31.
Variant type: single nucleotide variant.
Coding change: c.149T>C on transcript NM_021922.3 (MANE Select); coding-DNA position 149, T replaced by C.
Protein change: p.Leu50Pro; replaces leucine 50 with proline.
Molecular consequence: missense variant.
Genome position (GRCh38, 1-based): chr6:35,452,694, T>C. VCF-style: chr6-35452694-T-C. GRCh37 (hg19) VCF-style: chr6-35420471-T-C.
Other names: c.149T>C (NM_021922.2); short protein forms L50P.
Identifiers: ClinVar variation 1019331 (VCV001019331.7), dbSNP rs1767156443, ClinGen allele CA363770401.